The following is an entry in ClinVar:

ClinVar aggregate classification (germline): Uncertain significance (1 of 4 stars; one submission).

Submission:

Labcorp Genetics (formerly Invitae), Labcorp
Classification: Uncertain significance. Last evaluated: 2024-11-20. Review status: criteria provided, single submitter. Criteria: Invitae Variant Classification Sherloc (09022015). Collection method: clinical testing. Allele origin: germline.
Comment: This sequence change replaces alanine, which is neutral and non-polar, with threonine, which is neutral and polar, at codon 1056 of the NPAT protein (p.Ala1056Thr). This variant is present in population databases (rs767410422, gnomAD 0.008%). This variant has not been reported in the literature in individuals affected with NPAT-related conditions. An algorithm developed to predict the effect of missense changes on protein structure and function (PolyPhen-2) suggests that this variant is likely to be tolerated. In summary, the available evidence is currently insufficient to determine the role of this variant in disease. Therefore, it has been classified as a Variant of Uncertain Significance.

NM_002519.3(NPAT):c.3166G>A (p.Ala1056Thr)

Gene: NPAT (nuclear protein, coactivator of histone transcription; minus strand). Cytogenetic location: 11q22.3.
Variant type: single nucleotide variant.
Coding change: c.3166G>A on transcript NM_002519.3 (MANE Select); coding-DNA position 3166, G replaced by A.
Protein change: p.Ala1056Thr; replaces alanine 1056 with threonine.
Molecular consequence: missense variant.
Genome position (GRCh38, 1-based): chr11:108,161,920, C>T on the plus strand (G>A on the coding strand, the complement: NPAT is on the minus strand). VCF-style: chr11-108161920-C-T. GRCh37 (hg19) VCF-style: chr11-108032647-C-T.
Other names: c.3187G>A, p.Ala1063Thr (NM_001321307.1); short protein forms A1056T, A1063T.
Identifiers: ClinVar variation 3725692 (VCV003725692.2).